The following is an entry in ClinVar:

ClinVar aggregate classification (germline): Likely pathogenic (1 of 4 stars; one submission).

Conditions:
Retinitis pigmentosa 10 (RP10). Identifiers: Orphanet 791, MedGen C1867299, MONDO:0008379, OMIM 180105.

Submission:

MVZ Medizinische Genetik Mainz
Classification: Likely pathogenic for Retinitis pigmentosa 10. Last evaluated: 2022-09-06. Review status: criteria provided, single submitter. Criteria: UK Practice Guidelines For Variant Classification V4 01 2020. Collection method: clinical testing. Allele origin: germline. Inheritance: Autosomal dominant inheritance. Affected: yes. Observed: 1 variant allele.
Comment: ACMG Criteria: PM1, PM6, PS1_SUP, PM2_SUP, PP3, PP4

NM_000883.4(IMPDH1):c.590_591inv (p.Gln197Pro)

Gene: IMPDH1 (inosine monophosphate dehydrogenase 1; minus strand). Cytogenetic location: 7q32.1.
Variant type: Inversion.
Coding change: c.590_591inv on transcript NM_000883.4 (MANE Select).
Protein change: p.Gln197Pro; replaces glutamine 197 with proline.
Molecular consequence: missense variant.
Genome position: GRCh38 VCF-style: chr7-128400528-CT-AG. GRCh37 (hg19) VCF-style: chr7-128040582-CT-AG.
Other names: c.560_561inv, p.Gln187Pro (NM_001102605.2); c.335_336inv, p.Gln112Pro (NM_001142573.2); c.320_321inv, p.Gln107Pro (NM_001142574.2); c.260_261inv, p.Gln87Pro (NM_001142575.2); c.491_492inv, p.Gln164Pro (NM_001142576.2); c.383_384inv, p.Gln128Pro (NM_001304521.2); c.482_483inv, p.Gln161Pro (NM_183243.3); short protein forms Q107P, Q112P, Q128P, Q161P, Q164P, Q187P, Q197P, Q87P.
Identifiers: ClinVar variation 3236199 (VCV003236199.1), ClinGen allele CA2825001529.